The following is an entry in ClinVar:

NM_000355.4(TCN2):c.32T>C (p.Leu11Pro)

Genes: TCN2 (transcobalamin 2; plus strand), LOC121853040 (Sharpr-MPRA regulatory region 10016; plus strand). Cytogenetic location: 22q12.2.
Variant type: single nucleotide variant.
Coding change: c.32T>C on transcript NM_000355.4 (MANE Select); coding-DNA position 32, T replaced by C.
Protein change: p.Leu11Pro; replaces leucine 11 with proline.
Molecular consequence: missense variant.
Genome position (GRCh38, 1-based): chr22:30,607,363, T>C. VCF-style: chr22-30607363-T-C. GRCh37 (hg19) VCF-style: chr22-31003350-T-C.
Other names: c.32T>C, p.Leu11Pro (NM_001184726.2); short protein forms L11P.
Identifiers: ClinVar variation 2104305 (VCV002104305.4), dbSNP rs2517894782, ClinGen allele CA411204701.

ClinVar aggregate classification (germline): Uncertain significance (1 of 4 stars; one submission).

Conditions:
Transcobalamin II deficiency (TCN2D). Also called: Transcolabamin II deficiency; TC II DEFICIENCY; TCN2 DEFICIENCY. Identifiers: Orphanet 859, MedGen C0342701, MONDO:0010149, OMIM 275350.

Submission:

Labcorp Genetics (formerly Invitae), Labcorp
Classification: Uncertain significance for Transcobalamin II deficiency. Last evaluated: 2023-08-30. Review status: criteria provided, single submitter. Criteria: Invitae Variant Classification Sherloc (09022015). Collection method: clinical testing. Allele origin: germline.
Comment: This variant is not present in population databases (gnomAD no frequency). This sequence change replaces leucine, which is neutral and non-polar, with proline, which is neutral and non-polar, at codon 11 of the TCN2 protein (p.Leu11Pro). This variant has not been reported in the literature in individuals affected with TCN2-related conditions. In summary, the available evidence is currently insufficient to determine the role of this variant in disease. Therefore, it has been classified as a Variant of Uncertain Significance. An algorithm developed to predict the effect of missense changes on protein structure and function (PolyPhen-2) suggests that this variant is likely to be disruptive. ClinVar contains an entry for this variant (Variation ID: 2104305).